The following is an entry in ClinVar:

ClinVar aggregate classification (germline): Uncertain significance. Review status: criteria provided, multiple submitters, no conflicts (2 of 4 stars). 2 submissions from 2 submitters: Uncertain significance (2). Last evaluated 2025-11-18.

Conditions:
Developmental and epileptic encephalopathy, 32 (DEE32). Also called: Epileptic encephalopathy, early infantile, 32. Identifiers: Orphanet 442835, MedGen C4225350, MONDO:0014607, OMIM 616366.

Submissions (2):

Greenwood Genetic Center Diagnostic Laboratories, Greenwood Genetic Center
Classification: Uncertain significance. Last evaluated: 2025-11-18. Review status: criteria provided, single submitter. Criteria: ACMG Guidelines, 2015. Collection method: clinical testing. Allele origin: germline. Affected: yes.
Comment: PM2, PP2, PP3

Labcorp Genetics (formerly Invitae), Labcorp
Classification: Uncertain significance for Developmental and epileptic encephalopathy, 32. Last evaluated: 2022-09-16. Review status: criteria provided, single submitter. Criteria: Invitae Variant Classification Sherloc (09022015). Collection method: clinical testing. Allele origin: germline.
Comment: This variant is not present in population databases (gnomAD no frequency). This sequence change replaces methionine, which is neutral and non-polar, with lysine, which is basic and polar, at codon 255 of the KCNA2 protein (p.Met255Lys). This variant has not been reported in the literature in individuals affected with KCNA2-related conditions. Advanced modeling of protein sequence and biophysical properties (such as structural, functional, and spatial information, amino acid conservation, physicochemical variation, residue mobility, and thermodynamic stability) performed at Invitae indicates that this missense variant is expected to disrupt KCNA2 protein function. In summary, the available evidence is currently insufficient to determine the role of this variant in disease. Therefore, it has been classified as a Variant of Uncertain Significance.

NM_004974.4(KCNA2):c.764T>A (p.Met255Lys)

Gene: KCNA2 (potassium voltage-gated channel subfamily A member 2; minus strand). Cytogenetic location: 1p13.3.
Variant type: single nucleotide variant.
Coding change: c.764T>A on transcript NM_004974.4 (MANE Select); coding-DNA position 764, T replaced by A.
Protein change: p.Met255Lys; replaces methionine 255 with lysine.
Molecular consequence: missense variant.
Genome position (GRCh38, 1-based): chr1:110,604,019, A>T on the plus strand (T>A on the coding strand, the complement: KCNA2 is on the minus strand). VCF-style: chr1-110604019-A-T. GRCh37 (hg19) VCF-style: chr1-111146641-A-T.
Other names: c.764T>A, p.Met255Lys (NM_001204269.2); short protein forms M255K.
Identifiers: ClinVar variation 1719018 (VCV001719018.7), dbSNP rs2524618978, ClinGen allele CA341603252.